The following is an entry in ClinVar:

ClinVar aggregate classification (germline): Uncertain significance (1 of 4 stars; one submission).

gnomAD v4.1: 6 of 152,166 alleles (0.0039%); highest among the groups gnomAD compares: South Asian, 0.062%; no homozygotes.

Submission:

Greenwood Genetic Center Diagnostic Laboratories, Greenwood Genetic Center
Classification: Uncertain significance. Last evaluated: 2026-06-25. Review status: criteria provided, single submitter. Criteria: ACMG Guidelines, 2015. Collection method: clinical testing. Allele origin: germline.
Comment: PM2, PP3

NM_014415.4(ZBTB11):c.310+614A>G

Gene: ZBTB11 (zinc finger and BTB domain containing 11; minus strand). Cytogenetic location: 3q12.3.
Variant type: single nucleotide variant.
Coding change: c.310+614A>G on transcript NM_014415.4 (MANE Select); 614 bases into the intron after coding-DNA position 310, A replaced by G.
Molecular consequence: intron variant.
Genome position (GRCh38, 1-based): chr3:101,675,991, T>C on the plus strand (A>G on the coding strand, the complement: ZBTB11 is on the minus strand). VCF-style: chr3-101675991-T-C. GRCh37 (hg19) VCF-style: chr3-101394835-T-C.
Identifiers: ClinVar variation 4891186 (VCV004891186.1).